The following is an entry in ClinVar:

NM_015569.5(DNM3):c.1546-7T>C

Gene: DNM3 (dynamin 3; plus strand). Cytogenetic location: 1q24.3.
Variant type: single nucleotide variant.
Coding change: c.1546-7T>C on transcript NM_015569.5 (MANE Select); 7 bases into the intron before coding-DNA position 1546, T replaced by C.
Molecular consequence: intron variant.
Genome position (GRCh38, 1-based): chr1:172,131,168, T>C. VCF-style: chr1-172131168-T-C. GRCh37 (hg19) VCF-style: chr1-172100308-T-C.
Other names: c.1576-7T>C (NM_001350206.2, NM_001350204.2, NM_001350205.2); c.1546-7T>C (NM_001136127.3, NM_001278252.2).
Identifiers: ClinVar variation 2639559 (VCV002639559.24), dbSNP rs569789251, ClinGen allele CA1245494.
Genomic context (GRCh38, chr1:172,131,168, plus strand): 5'-CAAGACATCTAATCTCCAGTGGCTTTTGTTAAACTAAACACCTCTGCTGATTTCTGCTTT[T>C]TCGTAGGTGATTCGCAAGGGGTGGCTCACCATCAGCAACATTGGCATCATGAAAGGCGGC-3'

ClinVar aggregate classification (germline): Likely benign (1 of 4 stars; one submission).

Allele frequency attached by ClinVar (database versions not stated): TOPMed 0.00002; gnomAD 0.00013; gnomAD exomes 0.00033; 1000 Genomes Project 30x 0.00062; ExAC 0.00078; 1000 Genomes Project 0.00080.
gnomAD v4.1: 499 of 1,613,024 alleles (0.031%); highest among the groups gnomAD compares: South Asian, 0.53%; 6 homozygotes.

Submission:

CeGaT Center for Human Genetics Tuebingen
Classification: Likely benign. Last evaluated: 2022-07-01. Review status: criteria provided, single submitter. Criteria: CeGaT Center For Human Genetics Tuebingen Variant Classification Criteria Version 2. Collection method: clinical testing. Allele origin: germline. Affected: yes. Observed: 1 variant allele.
Comment: DNM3: BP4, BP5